The following is an entry in ClinVar:

NM_015272.5(RPGRIP1L):c.3593G>A (p.Trp1198Ter)

Gene: RPGRIP1L (RPGRIP1 like; minus strand). Cytogenetic location: 16q12.2.
Variant type: single nucleotide variant.
Coding change: c.3593G>A on transcript NM_015272.5 (MANE Select); coding-DNA position 3593, G replaced by A.
Protein change: p.Trp1198Ter; replaces tryptophan 1198 with a stop codon.
Molecular consequence: nonsense.
Genome position (GRCh38, 1-based): chr16:53,619,048, C>T on the plus strand (G>A on the coding strand, the complement: RPGRIP1L is on the minus strand). VCF-style: chr16-53619048-C-T. GRCh37 (hg19) VCF-style: chr16-53652960-C-T.
Other names: c.3353G>A, p.Trp1118Ter (NM_001127897.4); c.3455G>A, p.Trp1152Ter (NM_001308334.3); c.3491G>A, p.Trp1164Ter (NM_001330538.2); c.3593G>A (NM_015272.4); short protein forms W1118*, W1152*, W1198*, W1164*.
Identifiers: ClinVar variation 2921776 (VCV002921776.4), dbSNP rs1598241401, ClinGen allele CA395923381.
Genomic context (GRCh38, chr16:53,619,048, plus strand): 5'-AACATAAAAGTCTATATTACAAATGAATCATACATACCATTGCTATAGTTATAGTAGACC[C>T]ACTGCCCACTCTTGGGTTTTGGAAGTGACACGGGTGTCTCTTCAGCAGGAAGACTGTAGA-3'

ClinVar aggregate classification (germline): Pathogenic/Likely pathogenic. Review status: criteria provided, multiple submitters, no conflicts (2 of 4 stars). 2 submissions from 2 submitters: Pathogenic (1); Likely pathogenic (1). Last evaluated 2025-06-16.

Conditions:
Joubert syndrome. Also called: CEREBELLOPARENCHYMAL DISORDER IV; JOUBERT-BOLTSHAUSER SYNDROME; Familial aplasia of the vermis. Identifiers: Orphanet 475, MedGen C5979921, MONDO:0018772.
Meckel-Gruber syndrome. Also called: DYSENCEPHALIA SPLANCHNOCYSTICA; GRUBER SYNDROME; Dysencephalia splachnocystica. Identifiers: Orphanet 564, MedGen C0265215, MONDO:0018921.

Submissions (2):

Natera, Inc.
Classification: Likely pathogenic for Joubert syndrome. Last evaluated: 2025-06-16. Review status: criteria provided, single submitter. Criteria: Natera Variant Classification Schema (03/2026). Collection method: clinical testing. Allele origin: germline.
Comment: The c.3593G>A variant in RPGRIP1L is a nonsense variant predicted to introduce a stop codon at amino acid 1198. This variant is expected to result in nonsense mediated decay, truncation, or a dysfunctional protein product. This variant is rare in the general population with a frequency below the threshold expected for the associated phenotype(s). Given the available evidence, this variant is classified as Likely Pathogenic.

Labcorp Genetics (formerly Invitae), Labcorp
Classification: Pathogenic for Joubert syndrome; Meckel-Gruber syndrome. Last evaluated: 2024-01-06. Review status: criteria provided, single submitter. Criteria: Invitae Variant Classification Sherloc (09022015). Collection method: clinical testing. Allele origin: germline.
Comment: This sequence change creates a premature translational stop signal (p.Trp1198*) in the RPGRIP1L gene. It is expected to result in an absent or disrupted protein product. Loss-of-function variants in RPGRIP1L are known to be pathogenic (PMID: 17558409). This variant is not present in population databases (gnomAD no frequency). This premature translational stop signal has been observed in individual(s) with Joubert syndrome (PMID: 35858853). This variant is also known as c.3354G>A (p.W1118X). For these reasons, this variant has been classified as Pathogenic.

Literature cited by the submitters: PubMed 17558409 (cited by Labcorp Genetics (formerly Invitae), Labcorp); PubMed 35858853 (cited by Labcorp Genetics (formerly Invitae), Labcorp).